The following is an entry in ClinVar:

ClinVar aggregate classification (germline): Benign/Likely benign. Review status: criteria provided, multiple submitters, no conflicts (2 of 4 stars). 4 submissions from 4 submitters: Benign (1); Likely benign (3). Last evaluated 2025-12-10.

Conditions:
Hereditary cancer-predisposing syndrome. Also called: Tumor predisposition; Hereditary Cancer Syndrome; Hereditary neoplastic syndrome; Neoplastic Syndromes, Hereditary. Identifiers: Orphanet 140162, MedGen C0027672, MeSH D009386, MONDO:0015356.
Hereditary diffuse gastric adenocarcinoma (HDGC). Also called: DIFFUSE GASTRIC AND LOBULAR BREAST CANCER SYNDROME. Identifiers: Orphanet 26106, MedGen C1708349, MONDO:0007648, OMIM 137215.

Allele frequency attached by ClinVar (database versions not stated): TOPMed 0.00001.
gnomAD v4.1: 1 of 1,614,192 alleles (0.000062%); no homozygotes.

Submissions (4):

Labcorp Genetics (formerly Invitae), Labcorp
Classification: Likely benign for Hereditary diffuse gastric adenocarcinoma. Last evaluated: 2025-12-10. Review status: criteria provided, single submitter. Criteria: Invitae Variant Classification Sherloc (09022015). Collection method: clinical testing. Allele origin: germline.

Myriad Genetics, Inc.
Classification: Benign for Hereditary diffuse gastric adenocarcinoma. Last evaluated: 2024-09-12. Review status: criteria provided, single submitter. Criteria: Myriad Autosomal Dominant, Autosomal Recessive and X-Linked Classification Criteria (2023). Collection method: clinical testing. Allele origin: unknown.
Comment: This variant is considered benign. This variant is a silent/synonymous amino acid change and it is not expected to impact splicing.

Color Diagnostics, LLC DBA Color Health
Classification: Likely benign for Hereditary cancer-predisposing syndrome. Last evaluated: 2024-03-06. Review status: criteria provided, single submitter. Criteria: ACMG Guidelines, 2015. Collection method: clinical testing. Allele origin: germline.

Ambry Genetics
Classification: Likely benign for Hereditary cancer-predisposing syndrome. Last evaluated: 2015-09-01. Review status: criteria provided, single submitter. Criteria: Ambry Variant Classification Scheme 2023. Collection method: clinical testing. Allele origin: germline.

NM_004360.5(CDH1):c.336C>A (p.Thr112=)

Gene: CDH1 (cadherin 1; plus strand). Cytogenetic location: 16q22.1.
Variant type: single nucleotide variant.
Coding change: c.336C>A on transcript NM_004360.5 (MANE Select); coding-DNA position 336, C replaced by A.
Protein change: p.Thr112=; no amino-acid change (threonine 112 retained).
Molecular consequence: synonymous variant. On other transcripts: 5 prime UTR variant (2).
Genome position (GRCh38, 1-based): chr16:68,801,842, C>A. VCF-style: chr16-68801842-C-A. GRCh37 (hg19) VCF-style: chr16-68835745-C-A.
Other names: c.336C>A, p.Thr112= (NM_001317184.2); c.-1280C>A (NM_001317185.2); c.-1484C>A (NM_001317186.2); c.336C>A (LRG_301t1).
Identifiers: ClinVar variation 233878 (VCV000233878.20), dbSNP rs876660703, ClinGen allele CA10580081.